The following is an entry in ClinVar:

ClinVar aggregate classification (germline): Uncertain significance (1 of 4 stars; one submission).

Conditions:
Immunodeficiency-centromeric instability-facial anomalies syndrome 2 (ICF2). Identifiers: Orphanet 2268, MedGen C3279748, MONDO:0013553, OMIM 614069.

Submission:

Labcorp Genetics (formerly Invitae), Labcorp
Classification: Uncertain significance for Immunodeficiency-centromeric instability-facial anomalies syndrome 2. Last evaluated: 2021-09-17. Review status: criteria provided, single submitter. Criteria: Invitae Variant Classification Sherloc (09022015). Collection method: clinical testing. Allele origin: germline.
Comment: This sequence change replaces glycine with serine at codon 300 of the ZBTB24 protein (p.Gly300Ser). The glycine residue is moderately conserved and there is a small physicochemical difference between glycine and serine. This variant is not present in population databases (ExAC no frequency). This variant has not been reported in the literature in individuals affected with ZBTB24-related conditions. Algorithms developed to predict the effect of missense changes on protein structure and function are either unavailable or do not agree on the potential impact of this missense change (SIFT: "Not Available"; PolyPhen-2: "Possibly Damaging"; Align-GVGD: "Not Available"). In summary, the available evidence is currently insufficient to determine the role of this variant in disease. Therefore, it has been classified as a Variant of Uncertain Significance.

NM_014797.3(ZBTB24):c.898G>A (p.Gly300Ser)

Gene: ZBTB24 (zinc finger and BTB domain containing 24; minus strand). Cytogenetic location: 6q21.
Variant type: single nucleotide variant.
Coding change: c.898G>A on transcript NM_014797.3 (MANE Select); coding-DNA position 898, G replaced by A.
Protein change: p.Gly300Ser; replaces glycine 300 with serine.
Molecular consequence: missense variant.
Genome position (GRCh38, 1-based): chr6:109,481,129, C>T on the plus strand (G>A on the coding strand, the complement: ZBTB24 is on the minus strand). VCF-style: chr6-109481129-C-T. GRCh37 (hg19) VCF-style: chr6-109802332-C-T.
Other names: c.898G>A, p.Gly300Ser (NM_001164313.2); short protein forms G300S.
Identifiers: ClinVar variation 1491220 (VCV001491220.3), dbSNP rs2115366334, ClinGen allele CA365207535.